The following is an entry in ClinVar:

ClinVar aggregate classification (germline): Likely pathogenic. Review status: criteria provided, multiple submitters, no conflicts (2 of 4 stars). 2 submissions from 2 submitters: Likely pathogenic (2). Last evaluated 2026-09-23.

Submissions (2):

GeneDx
Classification: Likely pathogenic. Last evaluated: 2026-09-23. Review status: criteria provided, single submitter. Criteria: GeneDx Variant Classification Process June 2021. Collection method: clinical testing. Allele origin: germline.
Comment: Canonical splice site variant predicted to result in an in-frame loss of the adjacent exon in a gene for which loss of function is a known mechanism of disease; Not observed at significant frequency in large population cohorts (gnomAD); This variant is associated with the following publications: (PMID: 33587123, 37432431)

Athena Diagnostics
Classification: Likely pathogenic. Last evaluated: 2019-10-31. Review status: criteria provided, single submitter. Criteria: Athena Diagnostics Criteria. Collection method: clinical testing. Allele origin: unknown.
Comment: This variant occurs in a canonical splice site and computational tools predict the elimination of this splice site. A predicted skip of exon 3 would result in an in-frame deletion of a conserved functional domain in the biologically relevant transcript. This variant has not been reported in large, multi-ethnic general populations.This observation is not an independent occurrence and has been identified in the same individual by RCIGM, the other laboratory participating in the GEMINI study.

NM_033109.5(PNPT1):c.223-1G>A

Gene: PNPT1 (polyribonucleotide nucleotidyltransferase 1; minus strand). Cytogenetic location: 2p16.1.
Variant type: single nucleotide variant.
Coding change: c.223-1G>A on transcript NM_033109.5 (MANE Select); the canonical splice acceptor site of the intron before coding-DNA position 223, G replaced by A.
Molecular consequence: splice acceptor variant.
Genome position (GRCh38, 1-based): chr2:55,686,445, C>T on the plus strand (G>A on the coding strand, the complement: PNPT1 is on the minus strand). VCF-style: chr2-55686445-C-T. GRCh37 (hg19) VCF-style: chr2-55913580-C-T.
Identifiers: ClinVar variation 1809726 (VCV001809726.3), dbSNP rs1697407694, ClinGen allele CA346942191.